The following is an entry in ClinVar:

NM_198173.3(GRHL3):c.173C>T (p.Ala58Val)

Gene: GRHL3 (grainyhead like transcription factor 3; plus strand). Cytogenetic location: 1p36.11.
Variant type: single nucleotide variant.
Coding change: c.173C>T on transcript NM_198173.3 (MANE Select); coding-DNA position 173, C replaced by T.
Protein change: p.Ala58Val; replaces alanine 58 with valine.
Molecular consequence: missense variant.
Genome position (GRCh38, 1-based): chr1:24,331,581, C>T. VCF-style: chr1-24331581-C-T. GRCh37 (hg19) VCF-style: chr1-24658071-C-T.
Other names: c.35C>T, p.Ala12Val (NM_001195010.2); c.188C>T, p.Ala63Val (NM_021180.4); c.173C>T, p.Ala58Val (NM_198174.3); short protein forms A12V, A58V, A63V.
Identifiers: ClinVar variation 3731345 (VCV003731345.1).
Genomic context (GRCh38, chr1:24,331,581, plus strand): 5'-ACCCGTTGACAGCTGCCACAAAGGCCATGATGAGAGTCAATGGAGATGATGACAGTGTTG[C>T]GGCCTTGAGCTTCCTCTATGATTACTACATGGTACGTCTACCCCCTCTGGACATGCCCCG-3'
Protein context (NP_937816.1, residues 48-68): MRVNGDDDSV[Ala58Val]ALSFLYDYYM

ClinVar aggregate classification (germline): Uncertain significance (1 of 4 stars; one submission).

Conditions:
Van der Woude syndrome 2 (VWS2). Identifiers: Orphanet 888, MedGen C1847604, MONDO:0011712, OMIM 606713.

gnomAD v4.1: 6 of 1,613,818 alleles (0.00037%); highest among the groups gnomAD compares: East Asian, 0.0022%; no homozygotes.

Submission:

Neuberg Centre For Genomic Medicine, NCGM
Classification: Uncertain significance for Van der Woude syndrome 2. Review status: criteria provided, single submitter. Criteria: ACMG Guidelines, 2015. Collection method: clinical testing. Allele origin: germline. Inheritance: Autosomal dominant inheritance. Affected: yes.
Comment: The observed missense variant c.173C>T(p.Ala58Val) in the GRHL3 gene has not been reported previously as a pathogenic variant nor as a benign variant, to our knowledge. This variant is reported with the allele frequency 0.001% in the gnomAD Exomes. The amino acid Ala at position 58 is changed to a Val changing protein sequence and it might alter its composition and physico-chemical properties. Multiple lines of computational evidence (Polyphen - Damaging, SIFT - Damaging and MutationTaster - Disease causing) predict a damaging effect on protein structure and function for this variant. The residue is conserved by GERP++ and PhyloP across 100 vertebrates. For these reasons, this variant has been classified as Uncertain Significance.